The following is an entry in ClinVar:

ClinVar aggregate classification (germline): Benign/Likely benign. Review status: criteria provided, multiple submitters, no conflicts (2 of 4 stars). 13 submissions from 13 submitters: Benign (7); Likely benign (4). 2 of the submissions do not count toward it. Last evaluated 2026-02-03.

Conditions:
Inborn genetic diseases. Identifiers: MedGen C0950123, MeSH D030342.
Neuronal ceroid lipofuscinosis. Also called: Neuronal Ceroid Lipofuscinoses. Identifiers: Orphanet 216, Orphanet 79263, MedGen C0027877, MONDO:0016295. Disease mechanism: loss of function.
Neuronal ceroid lipofuscinosis 10 (CLN10). Also called: NEURONAL CEROID LIPOFUSCINOSIS DUE TO CATHEPSIN D DEFICIENCY; CTSD-Related Neuronal Ceroid-Lipofuscinosis. Identifiers: Orphanet 228337, MedGen C1864669, MONDO:0012414, OMIM 610127.

Allele frequency attached by ClinVar (database versions not stated): 1000 Genomes Project 30x 0.00547; 1000 Genomes Project 0.00619; gnomAD 0.00650 and 0.00705; gnomAD exomes 0.00676 and 0.00959; ExAC 0.01011; TOPMed 0.00365; ESP Exome Variant Server 0.00454.
gnomAD v4.1: 10,925 of 1,609,774 alleles (0.68%); highest among the groups gnomAD compares: Middle Eastern, 2.3%; 108 homozygotes.

Submissions (13):

Labcorp Genetics (formerly Invitae), Labcorp
Classification: Benign for Neuronal ceroid lipofuscinosis. Last evaluated: 2026-02-03. Review status: criteria provided, single submitter. Criteria: Invitae Variant Classification Sherloc (09022015). Collection method: clinical testing. Allele origin: germline.

Mayo Clinic Laboratories, Mayo Clinic
Classification: Benign. Last evaluated: 2025-09-15. Review status: criteria provided, single submitter. Criteria: ACMG Guidelines, 2015. Collection method: clinical testing. Allele origin: germline. Observed: 15 variant alleles.
Comment: BA1, BP4_moderate

Fulgent Genetics
Classification: Likely benign for Neuronal ceroid lipofuscinosis 10. Last evaluated: 2021-08-12. Review status: criteria provided, single submitter. Criteria: ACMG Guidelines, 2015. Collection method: clinical testing. Allele origin: unknown.

Illumina Laboratory Services, Illumina
Classification: Likely benign for Neuronal ceroid lipofuscinosis 10. Last evaluated: 2018-02-13. Review status: criteria provided, single submitter. Criteria: ICSL Variant Classification Criteria 13 December 2019. Collection method: clinical testing. Allele origin: germline.
Comment: This variant was observed as part of a predisposition screen in an ostensibly healthy population. A literature search was performed for the gene, cDNA change, and amino acid change (where applicable). Publications were found based on this search. The evidence from the literature, in combination with allele frequency data from public databases where available, was sufficient to determine this variant is unlikely to cause disease. Therefore, this variant is classified as likely benign.

Ambry Genetics
Classification: Benign for Inborn genetic diseases. Last evaluated: 2017-01-24. Review status: criteria provided, single submitter. Criteria: Ambry Variant Classification Scheme 2023. Collection method: clinical testing. Allele origin: germline.

Athena Diagnostics
Classification: Benign. Last evaluated: 2017-01-24. Review status: criteria provided, single submitter. Criteria: Athena Diagnostics Criteria. Collection method: clinical testing. Allele origin: germline.

GeneDx
Classification: Benign. Last evaluated: 2016-11-29. Review status: criteria provided, single submitter. Criteria: GeneDx Variant Classification (06012015). Collection method: clinical testing. Allele origin: germline. Affected: yes.
Comment: This variant is considered likely benign or benign based on one or more of the following criteria: it is a conservative change, it occurs at a poorly conserved position in the protein, it is predicted to be benign by multiple in silico algorithms, and/or has population frequency not consistent with disease.

Center for Pediatric Genomic Medicine, Children's Mercy Hospital and Clinics
Classification: Likely benign. Last evaluated: 2016-09-22. Review status: criteria provided, single submitter. Criteria: ACMG Guidelines, 2015. Collection method: clinical testing. Allele origin: germline.
ClinVar note: Converted during submission from Likely Benign to Likely benign.

Eurofins Ntd Llc (ga)
Classification: Benign. Last evaluated: 2016-01-28. Review status: criteria provided, single submitter. Criteria: EGL Classification Definitions 2015. Collection method: clinical testing. Allele origin: germline. Observed: 1 variant allele, 1 heterozygote.

Genome Diagnostics Laboratory, University Medical Center Utrecht
Classification: Benign for Neuronal ceroid lipofuscinosis 10. Last evaluated: 2014-10-09. Review status: criteria provided, single submitter. Criteria: ACGS Guidelines, 2013. Collection method: clinical testing. Allele origin: germline. Affected: yes. Study: VKGL Data-share Consensus.

Breakthrough Genomics
Classification: Likely benign. Review status: criteria provided, single submitter. Criteria: ACMG Guidelines, 2015. Collection method: not provided. Allele origin: germline. Inheritance: Autosomal recessive inheritance. Affected: yes.

Genome Diagnostics Laboratory, Amsterdam University Medical Center
Classification: Likely benign for Neuronal ceroid lipofuscinosis 10. Last evaluated: 2017-02-20. Review status: no assertion criteria provided. Criteria: ACGS Guidelines, 2013. Collection method: clinical testing. Allele origin: germline. Affected: yes. Study: VKGL Data-share Consensus. Not counted in ClinVar's aggregate classification.

Genetic Services Laboratory, University of Chicago
Classification: Likely benign for AllHighlyPenetrant. Review status: no assertion criteria provided. Collection method: clinical testing. Allele origin: germline. Inheritance: Autosomal recessive inheritance. Not counted in ClinVar's aggregate classification.
Comment: Likely benign based on allele frequency in 1000 Genomes Project or ESP global frequency and its presence in a patient with a rare or unrelated disease phenotype. NOT Sanger confirmed.

Literature cited by the submitters: PubMed 16670177 (cited by Illumina Laboratory Services, Illumina and Athena Diagnostics).

NM_001909.5(CTSD):c.844G>A (p.Gly282Arg)

Gene: CTSD (cathepsin D; minus strand). Cytogenetic location: 11p15.5.
Variant type: single nucleotide variant.
Coding change: c.844G>A on transcript NM_001909.5 (MANE Select); coding-DNA position 844, G replaced by A.
Protein change: p.Gly282Arg; replaces glycine 282 with arginine.
Molecular consequence: missense variant.
Genome position (GRCh38, 1-based): chr11:1,754,122, C>T on the plus strand (G>A on the coding strand, the complement: CTSD is on the minus strand). VCF-style: chr11-1754122-C-T. GRCh37 (hg19) VCF-style: chr11-1775352-C-T.
Other names: p.G282R:GGG>AGG; short protein forms G282R.
Identifiers: ClinVar variation 128877 (VCV000128877.68), dbSNP rs147278302, ClinGen allele CA288803.
Genomic context (GRCh38, chr11:1,754,122, plus strand): 5'-CCATGAGGGAAGTGCCTGTGTCCACAATGGCCTCACAGCCCTCCTTGCACAGGGTCAGCC[C>T]GCTGGCCACCTCCACCCTGCGGGGAGTCAGGGCGTGAAGCCCCTGCCGGGACTGGAGTGT-3'
Protein context (NP_001900.1, residues 272-292): VHLDQVEVAS[Gly282Arg]LTLCKEGCEA